The following is an entry in ClinVar:

NM_015631.6(TCTN3):c.1192A>G (p.Ile398Val)

Gene: TCTN3 (tectonic family member 3; minus strand). Cytogenetic location: 10q24.1.
Variant type: single nucleotide variant.
Coding change: c.1192A>G on transcript NM_015631.6 (MANE Select); coding-DNA position 1192, A replaced by G.
Protein change: p.Ile398Val; replaces isoleucine 398 with valine.
Molecular consequence: missense variant.
Genome position (GRCh38, 1-based): chr10:95,683,533, T>C on the plus strand (A>G on the coding strand, the complement: TCTN3 is on the minus strand). VCF-style: chr10-95683533-T-C. GRCh37 (hg19) VCF-style: chr10-97443290-T-C.
Other names: c.1246A>G, p.Ile416Val (NM_001013840.1); c.748A>G, p.Ile250Val (NM_001143973.2); c.1111A>G, p.Ile371Val (NM_001410982.1); short protein forms I398V, I416V, I250V, I371V.
Identifiers: ClinVar variation 2923652 (VCV002923652.3), dbSNP rs776333324, ClinGen allele CA211803170.

ClinVar aggregate classification (germline): Uncertain significance (1 of 4 stars; one submission).

Conditions:
Joubert syndrome 18 (JBTS18). Identifiers: Orphanet 2754, MedGen C3553758, MONDO:0013896, OMIM 614815.
Orofacial-digital syndrome IV (OFD4). Also called: BARAITSER-BURN SYNDROME; OFD SYNDROME WITH TIBIAL DEFECTS; OFD SYNDROME, BARAITSER-BURN TYPE; OFDS IV; ORAL-FACIAL-DIGITAL SYNDROME, TYPE IV; Orofaciodigital syndrome IV. Identifiers: Orphanet 2753, MedGen C0406727, MONDO:0009794, OMIM 258860.

gnomAD v4.1: 13 of 1,614,218 alleles (0.00081%); highest among the groups gnomAD compares: East Asian, 0.0022%; no homozygotes.

Submission:

Labcorp Genetics (formerly Invitae), Labcorp
Classification: Uncertain significance for Joubert syndrome 18; Orofacial-digital syndrome IV. Last evaluated: 2024-01-29. Review status: criteria provided, single submitter. Criteria: Invitae Variant Classification Sherloc (09022015). Collection method: clinical testing. Allele origin: germline.
Comment: This sequence change replaces isoleucine, which is neutral and non-polar, with valine, which is neutral and non-polar, at codon 398 of the TCTN3 protein (p.Ile398Val). This variant is present in population databases (no rsID available, gnomAD 0.006%). This variant has not been reported in the literature in individuals affected with TCTN3-related conditions. Advanced modeling of protein sequence and biophysical properties (such as structural, functional, and spatial information, amino acid conservation, physicochemical variation, residue mobility, and thermodynamic stability) performed at Invitae indicates that this missense variant is not expected to disrupt TCTN3 protein function with a negative predictive value of 80%. Algorithms developed to predict the effect of sequence changes on RNA splicing suggest that this variant may disrupt the consensus splice site. In summary, the available evidence is currently insufficient to determine the role of this variant in disease. Therefore, it has been classified as a Variant of Uncertain Significance.